The following is an entry in ClinVar:

ClinVar aggregate classification (germline): Pathogenic (1 of 4 stars; one submission).

Conditions:
Familial cancer of breast. Also called: BREAST CANCER, FAMILIAL; Hereditary breast cancer; hereditary breast carcinoma. Identifiers: Orphanet 227535, MedGen C0346153, MONDO:0016419, OMIM 114480. Disease mechanism: loss of function.

Submission:

Myriad Genetics, Inc.
Classification: Pathogenic for Familial cancer of breast. Last evaluated: 2024-01-22. Review status: criteria provided, single submitter. Criteria: Myriad Autosomal Dominant, Autosomal Recessive and X-Linked Classification Criteria (2023). Collection method: clinical testing. Allele origin: unknown.
Comment: This variant is considered pathogenic. This variant creates a termination codon and is predicted to result in premature protein truncation.

NM_000051.4(ATM):c.3753T>A (p.Cys1251Ter)

Gene: ATM (ATM serine/threonine kinase; plus strand). Cytogenetic location: 11q22.3.
Variant type: single nucleotide variant.
Coding change: c.3753T>A on transcript NM_000051.4 (MANE Select); coding-DNA position 3753, T replaced by A.
Protein change: p.Cys1251Ter; replaces cysteine 1251 with a stop codon.
Molecular consequence: nonsense.
Genome position (GRCh38, 1-based): chr11:108,284,233, T>A. VCF-style: chr11-108284233-T-A. GRCh37 (hg19) VCF-style: chr11-108154960-T-A.
Other names: c.3753T>A, p.Cys1251Ter (NM_001351834.2); short protein forms C1251*.
Identifiers: ClinVar variation 3148772 (VCV003148772.1), dbSNP rs2135704274, ClinGen allele CA382524210.